The following is an entry in ClinVar:

NM_017950.4(CCDC40):c.2786G>C (p.Gly929Ala)

Gene: CCDC40 (coiled-coil domain 40 molecular ruler complex subunit; plus strand). Cytogenetic location: 17q25.3.
Variant type: single nucleotide variant.
Coding change: c.2786G>C on transcript NM_017950.4 (MANE Select); coding-DNA position 2786, G replaced by C.
Protein change: p.Gly929Ala; replaces glycine 929 with alanine.
Molecular consequence: missense variant.
Genome position (GRCh38, 1-based): chr17:80,089,838, G>C. VCF-style: chr17-80089838-G-C. GRCh37 (hg19) VCF-style: chr17-78063637-G-C.
Other names: c.2786G>C, p.Gly929Ala (NM_001243342.2); short protein forms G929A.
Identifiers: ClinVar variation 1986120 (VCV001986120.4), dbSNP rs1020665520, ClinGen allele CA294870276.

ClinVar aggregate classification (germline): Uncertain significance (1 of 4 stars; one submission).

Conditions:
Primary ciliary dyskinesia. Also called: Ciliary dyskinesia. Identifiers: Orphanet 244, MedGen C0008780, MONDO:0016575, HP:0012265.

Allele frequency attached by ClinVar (database versions not stated): TOPMed 0.00001.

Submission:

Labcorp Genetics (formerly Invitae), Labcorp
Classification: Uncertain significance for Primary ciliary dyskinesia. Last evaluated: 2022-07-17. Review status: criteria provided, single submitter. Criteria: Invitae Variant Classification Sherloc (09022015). Collection method: clinical testing. Allele origin: germline.
Comment: In summary, the available evidence is currently insufficient to determine the role of this variant in disease. Therefore, it has been classified as a Variant of Uncertain Significance. Algorithms developed to predict the effect of missense changes on protein structure and function are either unavailable or do not agree on the potential impact of this missense change (SIFT: "Tolerated"; PolyPhen-2: "Possibly Damaging"; Align-GVGD: "Class C0"). This variant has not been reported in the literature in individuals affected with CCDC40-related conditions. This variant is present in population databases (no rsID available, gnomAD 0.003%). This sequence change replaces glycine, which is neutral and non-polar, with alanine, which is neutral and non-polar, at codon 929 of the CCDC40 protein (p.Gly929Ala).